The following is an entry in ClinVar:

ClinVar aggregate classification (germline): Uncertain significance. Review status: criteria provided, multiple submitters, no conflicts (2 of 4 stars). 2 submissions from 2 submitters: Uncertain significance (2). Last evaluated 2023-12-08.

Conditions:
Cardiovascular phenotype. Identifiers: MedGen CN230736.
Hereditary cancer-predisposing syndrome. Also called: Tumor predisposition; Neoplastic Syndromes, Hereditary; Hereditary Cancer Syndrome; Hereditary neoplastic syndrome. Identifiers: Orphanet 140162, MedGen C0027672, MeSH D009386, MONDO:0015356.
Neurofibromatosis, type 1 (NF1). Also called: NEUROFIBROMATOSIS, TYPE I, SOMATIC; VON RECKLINGHAUSEN DISEASE; Neurofibromatosis, type I; Peripheral type neurofibromatosis. Identifiers: Orphanet 636, MedGen C0027831, MONDO:0018975, OMIM 162200. Disease mechanism: loss of function.

gnomAD v4.1: 1 of 1,613,822 alleles (0.000062%); highest among the groups gnomAD compares: Non-Finnish European, 0.000085%; no homozygotes.

Submissions (2):

Labcorp Genetics (formerly Invitae), Labcorp
Classification: Uncertain significance for Neurofibromatosis, type 1. Last evaluated: 2023-12-08. Review status: criteria provided, single submitter. Criteria: Invitae Variant Classification Sherloc (09022015). Collection method: clinical testing. Allele origin: germline.
Comment: This sequence change replaces glycine, which is neutral and non-polar, with alanine, which is neutral and non-polar, at codon 1128 of the NF1 protein (p.Gly1128Ala). This variant is not present in population databases (gnomAD no frequency). This variant has not been reported in the literature in individuals affected with NF1-related conditions. ClinVar contains an entry for this variant (Variation ID: 485975). Advanced modeling of protein sequence and biophysical properties (such as structural, functional, and spatial information, amino acid conservation, physicochemical variation, residue mobility, and thermodynamic stability) performed at Invitae indicates that this missense variant is not expected to disrupt NF1 protein function with a negative predictive value of 95%. In summary, the available evidence is currently insufficient to determine the role of this variant in disease. Therefore, it has been classified as a Variant of Uncertain Significance.

Ambry Genetics
Classification: Uncertain significance for Cardiovascular phenotype; Hereditary cancer-predisposing syndrome. Last evaluated: 2021-04-07. Review status: criteria provided, single submitter. Criteria: Ambry Variant Classification Scheme 2023. Collection method: clinical testing. Allele origin: germline.
Comment: The p.G1128A variant (also known as c.3383G>C), located in coding exon 26 of the NF1 gene, results from a G to C substitution at nucleotide position 3383. The glycine at codon 1128 is replaced by alanine, an amino acid with similar properties. This amino acid position is highly conserved in available vertebrate species. In addition, this alteration is predicted to be tolerated by in silico analysis. Since supporting evidence is limited at this time, the clinical significance of this alteration remains unclear.

NM_001042492.3(NF1):c.3383G>C (p.Gly1128Ala)

Gene: NF1 (neurofibromin 1; plus strand). Cytogenetic location: 17q11.2.
Variant type: single nucleotide variant.
Coding change: c.3383G>C on transcript NM_001042492.3 (MANE Select); coding-DNA position 3383, G replaced by C.
Protein change: p.Gly1128Ala; replaces glycine 1128 with alanine.
Molecular consequence: missense variant.
Genome position (GRCh38, 1-based): chr17:31,232,768, G>C. VCF-style: chr17-31232768-G-C. GRCh37 (hg19) VCF-style: chr17-29559786-G-C.
Other names: c.3383G>C, p.Gly1128Ala (NM_000267.4); short protein forms G1128A.
Identifiers: ClinVar variation 485975 (VCV000485975.10), dbSNP rs1060500325, ClinGen allele CA398989117.